The following is an entry in ClinVar:

NM_001164665.2(KIAA1549):c.73C>T (p.Pro25Ser)

Gene: KIAA1549 (KIAA1549; minus strand). Cytogenetic location: 7q34.
Variant type: single nucleotide variant.
Coding change: c.73C>T on transcript NM_001164665.2 (MANE Select); coding-DNA position 73, C replaced by T.
Protein change: p.Pro25Ser; replaces proline 25 with serine.
Molecular consequence: missense variant.
Genome position (GRCh38, 1-based): chr7:138,981,197, G>A on the plus strand (C>T on the coding strand, the complement: KIAA1549 is on the minus strand). VCF-style: chr7-138981197-G-A. GRCh37 (hg19) VCF-style: chr7-138665943-G-A.
Other names: c.73C>T, p.Pro25Ser (NM_020910.3); short protein forms P25S.
Identifiers: ClinVar variation 2117523 (VCV002117523.4), dbSNP rs1256687574, ClinGen allele CA369382519.

ClinVar aggregate classification (germline): Uncertain significance (1 of 4 stars; one submission).

Allele frequency attached by ClinVar (database versions not stated): TOPMed below 0.00001; gnomAD 0.00001; gnomAD exomes 0.00001.
gnomAD v4.1: 15 of 1,062,950 alleles (0.0014%); highest among the groups gnomAD compares: Admixed American, 0.0055%; no homozygotes.

Submission:

Labcorp Genetics (formerly Invitae), Labcorp
Classification: Uncertain significance. Last evaluated: 2022-03-26. Review status: criteria provided, single submitter. Criteria: Invitae Variant Classification Sherloc (09022015). Collection method: clinical testing. Allele origin: germline.
Comment: In summary, the available evidence is currently insufficient to determine the role of this variant in disease. Therefore, it has been classified as a Variant of Uncertain Significance. Algorithms developed to predict the effect of missense changes on protein structure and function (SIFT, PolyPhen-2, Align-GVGD) all suggest that this variant is likely to be tolerated. This variant has not been reported in the literature in individuals affected with KIAA1549-related conditions. The frequency data for this variant in the population databases is considered unreliable, as metrics indicate insufficient coverage at this position in the gnomAD database. This sequence change replaces proline, which is neutral and non-polar, with serine, which is neutral and polar, at codon 25 of the KIAA1549 protein (p.Pro25Ser).